The following is an entry in ClinVar:

ClinVar aggregate classification (germline): Conflicting classifications of pathogenicity. Review status: criteria provided, conflicting classifications (1 of 4 stars). 3 submissions from 3 submitters: Uncertain significance (1); Likely benign (2). Last evaluated 2024-09-24.

Allele frequency attached by ClinVar (database versions not stated): gnomAD exomes 0.00001.
gnomAD v4.1: 3 of 1,614,154 alleles (0.00019%); highest among the groups gnomAD compares: Non-Finnish European, 0.00025%; no homozygotes.

Submissions (3):

Women's Health and Genetics/Laboratory Corporation of America, LabCorp
Classification: Likely benign. Last evaluated: 2024-09-24. Review status: criteria provided, single submitter. Criteria: LabCorp Variant Classification Summary - May 2015. Collection method: clinical testing. Allele origin: germline.

GeneDx
Classification: Likely benign. Last evaluated: 2017-11-28. Review status: criteria provided, single submitter. Criteria: GeneDx Variant Classification (06012015). Collection method: clinical testing. Allele origin: germline. Affected: yes.
Comment: This variant is considered likely benign or benign based on one or more of the following criteria: it is a conservative change, it occurs at a poorly conserved position in the protein, it is predicted to be benign by multiple in silico algorithms, and/or has population frequency not consistent with disease.

Eurofins Ntd Llc (ga)
Classification: Uncertain significance. Last evaluated: 2017-07-18. Review status: criteria provided, single submitter. Criteria: EGL Classification Definitions 2015. Collection method: clinical testing. Allele origin: germline. Observed: 1 variant allele, 1 heterozygote.

NM_182961.4(SYNE1):c.21768G>A (p.Gln7256=)

Gene: SYNE1 (spectrin repeat containing nuclear envelope protein 1; minus strand). Cytogenetic location: 6q25.2.
Variant type: single nucleotide variant.
Coding change: c.21768G>A on transcript NM_182961.4 (MANE Select); coding-DNA position 21768, G replaced by A.
Protein change: p.Gln7256=; no amino-acid change (glutamine 7256 retained).
Molecular consequence: synonymous variant.
Genome position (GRCh38, 1-based): chr6:152,220,935, C>T on the plus strand (G>A on the coding strand, the complement: SYNE1 is on the minus strand). VCF-style: chr6-152220935-C-T. GRCh37 (hg19) VCF-style: chr6-152542070-C-T.
Other names: c.21555G>A, p.Gln7185= (NM_033071.5).
Identifiers: ClinVar variation 513716 (VCV000513716.6), dbSNP rs1554226552, ClinGen allele CA452749529.